The following is an entry in ClinVar:

ClinVar aggregate classification (germline): Uncertain significance. Review status: criteria provided, multiple submitters, no conflicts (2 of 4 stars). 6 submissions from 6 submitters: Uncertain significance (5). 1 of the submissions does not count toward it. Last evaluated 2026-02-18.

Conditions:
VPS13B-related disorder. Also called: VPS13B-related condition.
Inborn genetic diseases. Identifiers: MedGen C0950123, MeSH D030342.
Cohen syndrome (COH1). Also called: Cutis verticis gyrata, retinitis pigmentosa, and sensorineural deafness; PEPPER SYNDROME. Identifiers: Orphanet 193, MedGen C0265223, MONDO:0008999, OMIM 216550.

Allele frequency attached by ClinVar (database versions not stated): gnomAD 0.00005; ExAC 0.00007; 1000 Genomes Project 0.00020; 1000 Genomes Project 30x 0.00031; TOPMed 0.00004.
gnomAD v4.1: 130 of 1,613,894 alleles (0.0081%); highest among the groups gnomAD compares: Non-Finnish European, 0.0099%; no homozygotes.

Submissions (6):

PreventionGenetics, part of Exact Sciences
Classification: Uncertain significance for VPS13B-related condition. Last evaluated: 2026-02-18. Review status: criteria provided, single submitter. Criteria: ACMG Guidelines, 2015. Collection method: clinical testing. Allele origin: germline.
Comment: The VPS13B c.7151C>T variant is predicted to result in the amino acid substitution p.Pro2384Leu. To our knowledge, this variant has not been reported in the literature in any individuals diagnosed with Cohen syndrome. This variant is reported in 0.013% of alleles in individuals of European (non-Finnish) descent in gnomAD. At this time, the clinical significance of this variant is uncertain due to the absence of conclusive functional and genetic evidence.

Labcorp Genetics (formerly Invitae), Labcorp
Classification: Uncertain significance for Cohen syndrome. Last evaluated: 2025-12-18. Review status: criteria provided, single submitter. Criteria: Invitae Variant Classification Sherloc (09022015). Collection method: clinical testing. Allele origin: germline.
Comment: This sequence change replaces proline, which is neutral and non-polar, with leucine, which is neutral and non-polar, at codon 2409 of the VPS13B protein (p.Pro2409Leu). This variant is present in population databases (rs183874686, gnomAD 0.01%). This variant has not been reported in the literature in individuals affected with VPS13B-related conditions. ClinVar contains an entry for this variant (Variation ID: 212580). Invitae Evidence Modeling of protein sequence and biophysical properties (such as structural, functional, and spatial information, amino acid conservation, physicochemical variation, residue mobility, and thermodynamic stability) indicates that this missense variant is expected to disrupt VPS13B protein function with a positive predictive value of 80%. In summary, the available evidence is currently insufficient to determine the role of this variant in disease. Therefore, it has been classified as a Variant of Uncertain Significance.

Blueprint Genetics
Classification: Uncertain significance. Last evaluated: 2022-06-09. Review status: criteria provided, single submitter. Criteria: ACMG Guidelines, 2015. Collection method: clinical testing. Allele origin: germline.

Ambry Genetics
Classification: Uncertain significance for Inborn genetic diseases. Last evaluated: 2018-02-14. Review status: criteria provided, single submitter. Criteria: Ambry Variant Classification Scheme 2023. Collection method: clinical testing. Allele origin: germline.
Comment: The p.P2409L variant (also known as c.7226C>T), located in coding exon 39 of the VPS13B gene, results from a C to T substitution at nucleotide position 7226. The proline at codon 2409 is replaced by leucine, an amino acid with similar properties. This amino acid position is highly conserved in available vertebrate species. In addition, the in silico prediction for this alteration is inconclusive. Since supporting evidence is limited at this time, the clinical significance of this alteration remains unclear.

Genetic Services Laboratory, University of Chicago
Classification: Uncertain significance. Last evaluated: 2015-03-12. Review status: criteria provided, single submitter. Criteria: ACMG Guidelines, 2015. Collection method: clinical testing. Allele origin: germline.

Natera, Inc.
Classification: Uncertain significance for Cohen syndrome. Last evaluated: 2019-11-11. Review status: no assertion criteria provided. Collection method: clinical testing. Allele origin: germline. Not counted in ClinVar's aggregate classification.

NM_152564.5(VPS13B):c.7151C>T (p.Pro2384Leu)

Gene: VPS13B (vacuolar protein sorting 13 homolog B; plus strand). Cytogenetic location: 8q22.2.
Variant type: single nucleotide variant.
Coding change: c.7151C>T on transcript NM_152564.5 (MANE Select); coding-DNA position 7151, C replaced by T.
Protein change: p.Pro2384Leu; replaces proline 2384 with leucine.
Molecular consequence: missense variant.
Genome position (GRCh38, 1-based): chr8:99,766,874, C>T. VCF-style: chr8-99766874-C-T. GRCh37 (hg19) VCF-style: chr8-100779102-C-T.
Other names: c.7226C>T, p.Pro2409Leu (NM_017890.5); c.7151C>T (NM_152564.4); c.7226C>T (NM_017890.3); short protein forms P2384L, P2409L.
Identifiers: ClinVar variation 212580 (VCV000212580.18), dbSNP rs183874686, ClinGen allele CA206437.